The following is an entry in ClinVar:

NM_001060.6(TBXA2R):c.831C>A (p.Ser277Arg)

Gene: TBXA2R (thromboxane A2 receptor; minus strand). Cytogenetic location: 19p13.3.
Variant type: single nucleotide variant.
Coding change: c.831C>A on transcript NM_001060.6 (MANE Select); coding-DNA position 831, C replaced by A.
Protein change: p.Ser277Arg; replaces serine 277 with arginine.
Molecular consequence: missense variant.
Genome position (GRCh38, 1-based): chr19:3,595,889, G>T on the plus strand (C>A on the coding strand, the complement: TBXA2R is on the minus strand). VCF-style: chr19-3595889-G-T. GRCh37 (hg19) VCF-style: chr19-3595887-G-T.
Other names: c.831C>A, p.Ser277Arg (NM_201636.3); short protein forms S277R.
Identifiers: ClinVar variation 3689799 (VCV003689799.2).
Genomic context (GRCh38, chr19:3,595,889, plus strand): 5'-GGCCACGCGCAAGTAGATGAGCAGCTCCTTCTCCGTGGTGCGGGACAGCTGCCCGGCGGG[G>T]CTCATGGCAGGCGGGTTTCGCAGCACTGTCTGGGCGATGAAGACCTGCAAAGGGGAGAGC-3'
Protein context (NP_001051.1, residues 267-287): QTVLRNPPAM[Ser277Arg]PAGQLSRTTE

ClinVar aggregate classification (germline): Uncertain significance (1 of 4 stars; one submission).

Submission:

Labcorp Genetics (formerly Invitae), Labcorp
Classification: Uncertain significance. Last evaluated: 2024-08-28. Review status: criteria provided, single submitter. Criteria: Invitae Variant Classification Sherloc (09022015). Collection method: clinical testing. Allele origin: germline.
Comment: This sequence change replaces serine, which is neutral and polar, with arginine, which is basic and polar, at codon 277 of the TBXA2R protein (p.Ser277Arg). The frequency data for this variant in the population databases is considered unreliable, as metrics indicate poor data quality at this position in the gnomAD database. This variant has not been reported in the literature in individuals affected with TBXA2R-related conditions. An algorithm developed to predict the effect of missense changes on protein structure and function (PolyPhen-2) suggests that this variant is likely to be disruptive. In summary, the available evidence is currently insufficient to determine the role of this variant in disease. Therefore, it has been classified as a Variant of Uncertain Significance.